The following is an entry in ClinVar:

ClinVar aggregate classification (germline): Likely benign (1 of 4 stars; one submission).

Submission:

CeGaT Center for Human Genetics Tuebingen
Classification: Likely benign. Last evaluated: 2026-06-01. Review status: criteria provided, single submitter. Criteria: CeGaT Center For Human Genetics Tuebingen Variant Classification Criteria Version 2. Collection method: clinical testing. Allele origin: germline. Affected: yes. Observed: 1 variant allele.
Comment: ANKRD11: BP4

NM_013275.6(ANKRD11):c.6934C>G (p.Pro2312Ala)

Gene: ANKRD11 (ankyrin repeat domain 11; minus strand). Cytogenetic location: 16q24.3.
Variant type: single nucleotide variant.
Coding change: c.6934C>G on transcript NM_013275.6 (MANE Select); coding-DNA position 6934, C replaced by G.
Protein change: p.Pro2312Ala; replaces proline 2312 with alanine.
Molecular consequence: missense variant.
Genome position (GRCh38, 1-based): chr16:89,279,608, G>C on the plus strand (C>G on the coding strand, the complement: ANKRD11 is on the minus strand). VCF-style: chr16-89279608-G-C. GRCh37 (hg19) VCF-style: chr16-89346016-G-C.
Other names: c.6934C>G, p.Pro2312Ala (NM_001256182.2, NM_001256183.2); short protein forms P2312A.
Identifiers: ClinVar variation 4874997 (VCV004874997.2).